The following is an entry in ClinVar:

NM_001378454.1(ALMS1):c.1378A>G (p.Met460Val)

Gene: ALMS1 (ALMS1 centrosome and basal body associated protein; plus strand). Cytogenetic location: 2p13.1.
Variant type: single nucleotide variant.
Coding change: c.1378A>G on transcript NM_001378454.1 (MANE Select); coding-DNA position 1378, A replaced by G.
Protein change: p.Met460Val; replaces methionine 460 with valine.
Molecular consequence: missense variant.
Genome position (GRCh38, 1-based): chr2:73,432,237, A>G. VCF-style: chr2-73432237-A-G. GRCh37 (hg19) VCF-style: chr2-73659365-A-G.
Other names: c.1381A>G, p.Met461Val (NM_015120.4); short protein forms M460V, M461V.
Identifiers: ClinVar variation 4870903 (VCV004870903.1).
Genomic context (GRCh38, chr2:73,432,237, plus strand): 5'-CCTTCATTTGTTCCACATAAGCCAACAAGAGAGTCGGAATATCACTCTTCAGATCTCAGA[A>G]TGTTGAGGATGTCTCCTGACACTGTGCCAAAGGCTCCTAAACATTTAAAAGCAGGTACGT-3'
Protein context (NP_001365383.1, residues 450-470): ESEYHSSDLR[Met460Val]LRMSPDTVPK

ClinVar aggregate classification (germline): Uncertain significance (1 of 4 stars; one submission).

Conditions:
Cardiovascular phenotype. Identifiers: MedGen CN230736.

Submission:

Ambry Genetics
Classification: Uncertain significance for Cardiovascular phenotype. Last evaluated: 2026-05-22. Review status: criteria provided, single submitter. Criteria: Ambry Variant Classification Scheme 2023. Collection method: clinical testing. Allele origin: germline.
Comment: The p.M461V variant (also known as c.1381A>G), located in coding exon 7 of the ALMS1 gene, results from an A to G substitution at nucleotide position 1381. The methionine at codon 461 is replaced by valine, an amino acid with highly similar properties. This amino acid position is highly conserved in available vertebrate species. In addition, the in silico prediction for this alteration is inconclusive. Based on the available evidence, the clinical significance of this variant remains unclear.